The following is an entry in ClinVar:

NM_002880.4(RAF1):c.1590T>G (p.Asp530Glu)

Gene: RAF1 (Raf-1 proto-oncogene, serine/threonine kinase; minus strand). Cytogenetic location: 3p25.2.
Variant type: single nucleotide variant.
Coding change: c.1590T>G on transcript NM_002880.4 (MANE Select); coding-DNA position 1590, T replaced by G.
Protein change: p.Asp530Glu; replaces aspartic acid 530 with glutamic acid.
Molecular consequence: missense variant. On other transcripts: non-coding transcript variant (3).
Genome position (GRCh38, 1-based): chr3:12,585,200, A>C on the plus strand (T>G on the coding strand, the complement: RAF1 is on the minus strand). VCF-style: chr3-12585200-A-C. GRCh37 (hg19) VCF-style: chr3-12626699-A-C.
Other names: c.1650T>G, p.Asp550Glu (NM_001354689.3); c.1590T>G, p.Asp530Glu (NM_001354690.3); c.1347T>G, p.Asp449Glu (NM_001354691.3, NM_001354692.3); c.1491T>G, p.Asp497Glu (NM_001354693.3); c.1407T>G, p.Asp469Glu (NM_001354694.3); c.1248T>G, p.Asp416Glu (NM_001354695.3); short protein forms D469E, D550E, D449E, D416E, D530E, D497E.
Identifiers: ClinVar variation 4055954 (VCV004055954.1).

ClinVar aggregate classification (germline): Uncertain significance (1 of 4 stars; one submission).

Submission:

GeneDx
Classification: Uncertain significance. Last evaluated: 2025-01-03. Review status: criteria provided, single submitter. Criteria: GeneDx Variant Classification Process June 2021. Collection method: clinical testing. Allele origin: germline. Affected: yes.
Comment: Not observed at significant frequency in large population cohorts (gnomAD); Missense variants in this gene are a common cause of disease and they are underrepresented in the general population; In silico analysis supports that this missense variant has a deleterious effect on protein structure/function; Has not been previously published as pathogenic or benign to our knowledge; This variant is associated with the following publications: (PMID: 29493581)